The following is an entry in ClinVar:

ClinVar aggregate classification (germline): Uncertain significance (1 of 4 stars; one submission).

Conditions:
Aicardi-Goutieres syndrome 7 (AGS7). Identifiers: Orphanet 51, MedGen C3888244, MONDO:0014367, OMIM 615846.
Singleton-Merten syndrome 1 (SGMRT1). Also called: Widened medullary cavities of bone, aortic calcification, abnormal dentition, and muscular weakness; Syndrome of widened medullary cavities of the metacarpals and phalanges, aortic calcification and abnormal dentition. Identifiers: Orphanet 85191, MedGen C4225427, MONDO:0024535, OMIM 182250.

gnomAD v4.1: 1 of 1,613,874 alleles (0.000062%); highest among the groups gnomAD compares: African/African-American, 0.0013%; no homozygotes.

Submission:

Labcorp Genetics (formerly Invitae), Labcorp
Classification: Uncertain significance for Aicardi-Goutieres syndrome 7; Singleton-Merten syndrome 1. Last evaluated: 2025-11-17. Review status: criteria provided, single submitter. Criteria: Invitae Variant Classification Sherloc (09022015). Collection method: clinical testing. Allele origin: germline.
Comment: This sequence change replaces tryptophan, which is neutral and slightly polar, with cysteine, which is neutral and slightly polar, at codon 238 of the IFIH1 protein (p.Trp238Cys). This variant is not present in population databases (gnomAD no frequency). This variant has not been reported in the literature in individuals affected with IFIH1-related conditions. An algorithm developed to predict the effect of missense changes on protein structure and function outputs the following: PolyPhen-2: "Benign". The cysteine amino acid residue is found in multiple mammalian species, which suggests that this missense change does not adversely affect protein function. In summary, the available evidence is currently insufficient to determine the role of this variant in disease. Therefore, it has been classified as a Variant of Uncertain Significance.

NM_022168.4(IFIH1):c.714G>T (p.Trp238Cys)

Gene: IFIH1 (interferon induced with helicase C domain 1; minus strand). Cytogenetic location: 2q24.2.
Variant type: single nucleotide variant.
Coding change: c.714G>T on transcript NM_022168.4 (MANE Select); coding-DNA position 714, G replaced by T.
Protein change: p.Trp238Cys; replaces tryptophan 238 with cysteine.
Molecular consequence: missense variant.
Genome position (GRCh38, 1-based): chr2:162,306,764, C>A on the plus strand (G>T on the coding strand, the complement: IFIH1 is on the minus strand). VCF-style: chr2-162306764-C-A. GRCh37 (hg19) VCF-style: chr2-163163274-C-A.
Other names: short protein forms W238C.
Identifiers: ClinVar variation 4791595 (VCV004791595.1).
Genomic context (GRCh38, chr2:162,306,764, plus strand): 5'-AGTACCTGAAACTACAGAAGAATCTGCAAAAGATGATTCTGATGAGTTATTCTCCATGCC[C>A]CAGACCTCCTTCTCCAGATTTGGCTGAACTGTGGTTGAAAGAAGTTGCTCTTCCACTTGA-3'
Protein context (NP_071451.2, residues 228-248): TVQPNLEKEV[Trp238Cys]GMENNSSESS